The following is an entry in ClinVar:

NM_002691.4(POLD1):c.1029C>A (p.Arg343=)

Gene: POLD1 (DNA polymerase delta 1, catalytic subunit; plus strand). Cytogenetic location: 19q13.33.
Variant type: single nucleotide variant.
Coding change: c.1029C>A on transcript NM_002691.4 (MANE Select); coding-DNA position 1029, C replaced by A.
Protein change: p.Arg343=; no amino-acid change (arginine 343 retained).
Molecular consequence: synonymous variant. On other transcripts: non-coding transcript variant (1).
Genome position (GRCh38, 1-based): chr19:50,403,111, C>A. VCF-style: chr19-50403111-C-A. GRCh37 (hg19) VCF-style: chr19-50906368-C-A.
Other names: c.1029C>A, p.Arg343= (NM_001256849.1, NM_001308632.1); c.1029C>A (NM_002691.2).
Identifiers: ClinVar variation 739794 (VCV000739794.16), dbSNP rs759213871, ClinGen allele CA508182565.
Genomic context (GRCh38, chr19:50,403,111, plus strand): 5'-AGGCATCTTCCCTGAGCCTGAGCGGGACCCTGTCATCCAGATCTGCTCGCTGGGCCTGCG[C>A]TGGGGGGAGCCGGAGCCCTTCCTACGCCTGGCGCTCACCCTGCGGCCCTGTGCCCCCATC-3'
Protein context (NP_002682.2, residues 333-353): PVIQICSLGL[Arg343=]WGEPEPFLRL

ClinVar aggregate classification (germline): Conflicting classifications of pathogenicity. Review status: criteria provided, conflicting classifications (1 of 4 stars). 5 submissions from 5 submitters: Uncertain significance (1); Benign (1); Likely benign (3). Last evaluated 2025-11-24.

Conditions:
POLD1-related polyposis and colorectal cancer syndrome (CRCS10). Also called: Colorectal cancer, susceptibility to, 10; Colorectal cancer 10; COLORECTAL CANCER, SUSCEPTIBILITY TO, ON CHROMOSOME 19q. Identifiers: Orphanet 220460, MedGen C2675481, MONDO:0012953, OMIM 612591.
Hereditary cancer-predisposing syndrome. Also called: Hereditary Cancer Syndrome; Hereditary neoplastic syndrome; Neoplastic Syndromes, Hereditary; Tumor predisposition. Identifiers: Orphanet 140162, MedGen C0027672, MeSH D009386, MONDO:0015356.

Submissions (5):

Labcorp Genetics (formerly Invitae), Labcorp
Classification: Likely benign for POLD1-related polyposis and colorectal cancer syndrome. Last evaluated: 2025-11-24. Review status: criteria provided, single submitter. Criteria: Invitae Variant Classification Sherloc (09022015). Collection method: clinical testing. Allele origin: germline.

Myriad Genetics, Inc.
Classification: Benign for POLD1-related polyposis and colorectal cancer syndrome. Last evaluated: 2025-02-05. Review status: criteria provided, single submitter. Criteria: Myriad Autosomal Dominant, Autosomal Recessive and X-Linked Classification Criteria (2023). Collection method: clinical testing. Allele origin: unknown.
Comment: This variant is considered benign. This variant is a silent/synonymous amino acid change and it is not expected to impact splicing.

Ambry Genetics
Classification: Likely benign for Hereditary cancer-predisposing syndrome. Last evaluated: 2023-04-07. Review status: criteria provided, single submitter. Criteria: Ambry Variant Classification Scheme 2023. Collection method: clinical testing. Allele origin: germline.

Blueprint Genetics
Classification: Likely benign. Last evaluated: 2022-07-17. Review status: criteria provided, single submitter. Criteria: ACMG Guidelines, 2015. Collection method: clinical testing. Allele origin: germline.

GeneDx
Classification: Uncertain significance. Last evaluated: 2019-10-25. Review status: criteria provided, single submitter. Criteria: GeneDx Variant Classification Process June 2021. Collection method: clinical testing. Allele origin: germline. Affected: yes.
Comment: Not observed in large population cohorts (Lek et al., 2016); In silico analysis, which includes splice predictors and evolutionary conservation, supports that this variant does not alter protein structure/function; Has not been previously published as pathogenic or benign to our knowledge